The following is an entry in ClinVar:

ClinVar aggregate classification (germline): Uncertain significance (1 of 4 stars; one submission).

Conditions:
Werner syndrome (WRN). Identifiers: Orphanet 902, MedGen C0043119, MONDO:0010196, OMIM 277700.

Allele frequency attached by ClinVar (database versions not stated): TOPMed below 0.00001.
gnomAD v4.1: 26 of 1,608,394 alleles (0.0016%); highest among the groups gnomAD compares: Non-Finnish European, 0.0022%; no homozygotes.

Submission:

Labcorp Genetics (formerly Invitae), Labcorp
Classification: Uncertain significance for Werner syndrome. Last evaluated: 2022-06-28. Review status: criteria provided, single submitter. Criteria: Invitae Variant Classification Sherloc (09022015). Collection method: clinical testing. Allele origin: germline.
Comment: This sequence change replaces valine, which is neutral and non-polar, with leucine, which is neutral and non-polar, at codon 641 of the WRN protein (p.Val641Leu). This variant is present in population databases (no rsID available, gnomAD 0.0009%). This variant has not been reported in the literature in individuals affected with WRN-related conditions. Algorithms developed to predict the effect of missense changes on protein structure and function output the following: SIFT: "Not Available"; PolyPhen-2: "Benign"; Align-GVGD: "Not Available". The leucine amino acid residue is found in multiple mammalian species, which suggests that this missense change does not adversely affect protein function. In summary, the available evidence is currently insufficient to determine the role of this variant in disease. Therefore, it has been classified as a Variant of Uncertain Significance.

NM_000553.6(WRN):c.1921G>C (p.Val641Leu)

Gene: WRN (WRN RecQ like helicase; plus strand). Cytogenetic location: 8p12.
Variant type: single nucleotide variant.
Coding change: c.1921G>C on transcript NM_000553.6 (MANE Select); coding-DNA position 1921, G replaced by C.
Protein change: p.Val641Leu; replaces valine 641 with leucine.
Molecular consequence: missense variant.
Genome position (GRCh38, 1-based): chr8:31,096,790, G>C. VCF-style: chr8-31096790-G-C. GRCh37 (hg19) VCF-style: chr8-30954306-G-C.
Other names: short protein forms V641L.
Identifiers: ClinVar variation 1422237 (VCV001422237.5), dbSNP rs572026265, ClinGen allele CA370929651.